The following is an entry in ClinVar:

ClinVar aggregate classification (germline): Likely benign. Review status: criteria provided, single submitter (1 of 4 stars). 2 submissions from 2 submitters: Likely benign (1). 1 of the submissions does not count toward it. Last evaluated 2025-11-28.

Conditions:
PCNT-related disorder. Also called: PCNT-related condition.

Allele frequency attached by ClinVar (database versions not stated): TOPMed below 0.00001; gnomAD exomes 0.00001.
gnomAD v4.1: 13 of 1,613,958 alleles (0.00081%); highest among the groups gnomAD compares: South Asian, 0.0011%; no homozygotes.

Submissions (2):

Labcorp Genetics (formerly Invitae), Labcorp
Classification: Likely benign. Last evaluated: 2025-11-28. Review status: criteria provided, single submitter. Criteria: Invitae Variant Classification Sherloc (09022015). Collection method: clinical testing. Allele origin: germline.

PreventionGenetics, part of Exact Sciences
Classification: Likely benign for PCNT-related condition. Last evaluated: 2023-05-19. Review status: no assertion criteria provided. Collection method: clinical testing. Allele origin: germline. Not counted in ClinVar's aggregate classification.
Comment: This variant is classified as likely benign based on ACMG/AMP sequence variant interpretation guidelines (Richards et al. 2015 PMID: 25741868, with internal and published modifications).

NM_006031.6(PCNT):c.1248T>C (p.Ile416=)

Gene: PCNT (pericentrin; plus strand). Cytogenetic location: 21q22.3.
Variant type: single nucleotide variant.
Coding change: c.1248T>C on transcript NM_006031.6 (MANE Select); coding-DNA position 1248, T replaced by C.
Protein change: p.Ile416=; no amino-acid change (isoleucine 416 retained).
Molecular consequence: synonymous variant.
Genome position (GRCh38, 1-based): chr21:46,349,724, T>C. VCF-style: chr21-46349724-T-C. GRCh37 (hg19) VCF-style: chr21-47769638-T-C.
Other names: c.1248T>C (NM_006031.5); c.894T>C, p.Ile298= (NM_001315529.2).
Identifiers: ClinVar variation 2414737 (VCV002414737.9), dbSNP rs1252177993, ClinGen allele CA512730022.